The following is an entry in ClinVar:

NM_002880.4(RAF1):c.1568A>G (p.Asn523Ser)

Gene: RAF1 (Raf-1 proto-oncogene, serine/threonine kinase; minus strand). Cytogenetic location: 3p25.2.
Variant type: single nucleotide variant.
Coding change: c.1568A>G on transcript NM_002880.4 (MANE Select); coding-DNA position 1568, A replaced by G.
Protein change: p.Asn523Ser; replaces asparagine 523 with serine.
Molecular consequence: missense variant. On other transcripts: non-coding transcript variant (3).
Genome position (GRCh38, 1-based): chr3:12,585,222, T>C on the plus strand (A>G on the coding strand, the complement: RAF1 is on the minus strand). VCF-style: chr3-12585222-T-C. GRCh37 (hg19) VCF-style: chr3-12626721-T-C.
Other names: c.1628A>G, p.Asn543Ser (NM_001354689.3); c.1568A>G, p.Asn523Ser (NM_001354690.3); c.1325A>G, p.Asn442Ser (NM_001354691.3, NM_001354692.3); c.1469A>G, p.Asn490Ser (NM_001354693.3); c.1385A>G, p.Asn462Ser (NM_001354694.3); c.1226A>G, p.Asn409Ser (NM_001354695.3); short protein forms N409S, N543S, N462S, N490S, N442S, N523S.
Identifiers: ClinVar variation 2001907 (VCV002001907.4), dbSNP rs2125322742, ClinGen allele CA351497848.

ClinVar aggregate classification (germline): Uncertain significance (1 of 4 stars; one submission).

Conditions:
RASopathy. Also called: rasopathies; Noonan spectrum disorder. Identifiers: Orphanet 536391, MedGen C5555857, MONDO:0021060.

Submission:

Labcorp Genetics (formerly Invitae), Labcorp
Classification: Uncertain significance for RASopathy. Last evaluated: 2022-06-02. Review status: criteria provided, single submitter. Criteria: Invitae Variant Classification Sherloc (09022015). Collection method: clinical testing. Allele origin: germline.
Comment: This sequence change replaces asparagine, which is neutral and polar, with serine, which is neutral and polar, at codon 523 of the RAF1 protein (p.Asn523Ser). This variant is not present in population databases (gnomAD no frequency). This variant has not been reported in the literature in individuals affected with RAF1-related conditions. Advanced modeling of protein sequence and biophysical properties (such as structural, functional, and spatial information, amino acid conservation, physicochemical variation, residue mobility, and thermodynamic stability) performed at Invitae indicates that this missense variant is expected to disrupt RAF1 protein function. In summary, the available evidence is currently insufficient to determine the role of this variant in disease. Therefore, it has been classified as a Variant of Uncertain Significance.